The following is an entry in ClinVar:

NM_206933.4(USH2A):c.12479C>T (p.Ala4160Val)

Gene: USH2A (usherin; minus strand). Cytogenetic location: 1q41.
Variant type: single nucleotide variant.
Coding change: c.12479C>T on transcript NM_206933.4 (MANE Select); coding-DNA position 12479, C replaced by T.
Protein change: p.Ala4160Val; replaces alanine 4160 with valine.
Molecular consequence: missense variant.
Genome position (GRCh38, 1-based): chr1:215,675,432, G>A on the plus strand (C>T on the coding strand, the complement: USH2A is on the minus strand). VCF-style: chr1-215675432-G-A. GRCh37 (hg19) VCF-style: chr1-215848774-G-A.
Other names: short protein forms A4160V.
Identifiers: ClinVar variation 1901014 (VCV001901014.3), dbSNP rs770434521, ClinGen allele CA1393458.

ClinVar aggregate classification (germline): Uncertain significance. Review status: criteria provided, multiple submitters, no conflicts (2 of 4 stars). 2 submissions from 2 submitters: Uncertain significance (2). Last evaluated 2026-07-01.

Allele frequency attached by ClinVar (database versions not stated): TOPMed below 0.00001; gnomAD 0.00001; gnomAD exomes 0.00001; ExAC 0.00002.
gnomAD v4.1: 16 of 1,613,954 alleles (0.00099%); highest among the groups gnomAD compares: Middle Eastern, 0.016%; no homozygotes.

Submissions (2):

CeGaT Center for Human Genetics Tuebingen
Classification: Uncertain significance. Last evaluated: 2026-07-01. Review status: criteria provided, single submitter. Criteria: CeGaT Center For Human Genetics Tuebingen Variant Classification Criteria Version 2. Collection method: clinical testing. Allele origin: germline. Affected: yes. Observed: 1 variant allele.
Comment: USH2A: PM2

Labcorp Genetics (formerly Invitae), Labcorp
Classification: Uncertain significance. Last evaluated: 2022-03-13. Review status: criteria provided, single submitter. Criteria: Invitae Variant Classification Sherloc (09022015). Collection method: clinical testing. Allele origin: germline.
Comment: This sequence change replaces alanine, which is neutral and non-polar, with valine, which is neutral and non-polar, at codon 4160 of the USH2A protein (p.Ala4160Val). This variant is present in population databases (rs770434521, gnomAD 0.006%). This variant has not been reported in the literature in individuals affected with USH2A-related conditions. Algorithms developed to predict the effect of missense changes on protein structure and function (SIFT, PolyPhen-2, Align-GVGD) all suggest that this variant is likely to be disruptive. In summary, the available evidence is currently insufficient to determine the role of this variant in disease. Therefore, it has been classified as a Variant of Uncertain Significance.